The following is an entry in ClinVar:

ClinVar aggregate classification (germline): Uncertain significance. Review status: criteria provided, multiple submitters, no conflicts (2 of 4 stars). 2 submissions from 2 submitters: Uncertain significance (2). Last evaluated 2025-01-03.

Conditions:
COL11A1-related disorder. Also called: COL11A1-related disorders; COL11A1-related condition.
Inborn genetic diseases. Identifiers: MedGen C0950123, MeSH D030342.

Allele frequency attached by ClinVar (database versions not stated): gnomAD exomes below 0.00001.
gnomAD v4.1: 1 of 1,613,586 alleles (0.000062%); highest among the groups gnomAD compares: South Asian, 0.0011%; no homozygotes.

Submissions (2):

Ambry Genetics
Classification: Uncertain significance for Inborn genetic diseases. Last evaluated: 2025-01-03. Review status: criteria provided, single submitter. Criteria: Ambry Variant Classification Scheme 2023. Collection method: clinical testing. Allele origin: germline.

PreventionGenetics, part of Exact Sciences
Classification: Uncertain significance for COL11A1-related condition. Last evaluated: 2023-04-26. Review status: criteria provided, single submitter. Criteria: ACMG Guidelines, 2015. Collection method: clinical testing. Allele origin: germline.
Comment: The COL11A1 c.1186C>T variant is predicted to result in the amino acid substitution p.Pro396Ser. To our knowledge, this variant has not been reported in the literature or in a large population database, indicating this variant is rare. At this time, the clinical significance of this variant is uncertain due to the absence of conclusive functional and genetic evidence.

NM_001854.4(COL11A1):c.1186C>T (p.Pro396Ser)

Gene: COL11A1 (collagen type XI alpha 1 chain; minus strand). Cytogenetic location: 1p21.1.
Variant type: single nucleotide variant.
Coding change: c.1186C>T on transcript NM_001854.4 (MANE Select); coding-DNA position 1186, C replaced by T.
Protein change: p.Pro396Ser; replaces proline 396 with serine.
Molecular consequence: missense variant. On other transcripts: non-coding transcript variant (1), intron variant (1).
Genome position (GRCh38, 1-based): chr1:103,022,801, G>A on the plus strand (C>T on the coding strand, the complement: COL11A1 is on the minus strand). VCF-style: chr1-103022801-G-A. GRCh37 (hg19) VCF-style: chr1-103488357-G-A.
Other names: c.1069C>T, p.Pro357Ser (NM_001190709.2); c.1222C>T, p.Pro408Ser (NM_080629.3); c.898-1032C>T (NM_080630.4); short protein forms P357S, P396S, P408S.
Identifiers: ClinVar variation 2632889 (VCV002632889.2), dbSNP rs2525581497, ClinGen allele CA341154362.